The following is an entry in ClinVar:

NM_000392.5(ABCC2):c.4144C>A (p.Gln1382Lys)

Gene: ABCC2 (ATP binding cassette subfamily C member 2; plus strand). Cytogenetic location: 10q24.2.
Variant type: single nucleotide variant.
Coding change: c.4144C>A on transcript NM_000392.5 (MANE Select); coding-DNA position 4144, C replaced by A.
Protein change: p.Gln1382Lys; replaces glutamine 1382 with lysine.
Molecular consequence: missense variant.
Genome position (GRCh38, 1-based): chr10:99,845,780, C>A. VCF-style: chr10-99845780-C-A. GRCh37 (hg19) VCF-style: chr10-101605537-C-A.
Other names: short protein forms Q1382K.
Identifiers: ClinVar variation 4884478 (VCV004884478.1).

ClinVar aggregate classification (germline): Likely pathogenic (1 of 4 stars; one submission).

Conditions:
Dubin-Johnson syndrome (DJS). Also called: Jaundice, Chronic Idiopathic; HYPERBILIRUBINEMIA, DUBIN-JOHNSON TYPE; Hyperbilirubinemia type 2. Identifiers: Orphanet 234, MedGen C0022350, MONDO:0009380, OMIM 237500.

Submission:

Diagnostics Services (NGS), CSIR - Centre For Cellular And Molecular Biology
Classification: Likely pathogenic for Dubin-Johnson syndrome. Last evaluated: 2026-07-10. Review status: criteria provided, single submitter. Criteria: ACMG Guidelines, 2015. Collection method: clinical testing. Allele origin: germline. Affected: no. Observed: 2 variant alleles, 2 heterozygotes.
Comment: The c.4144C>A variant is not present in publicly available population databases like 1000 Genomes, EVS, gnomAD, Indian Exome Database or our internal database. The variant has neither been published in the literature for ABCC2-related conditions nor reported to clinical databases like Human Genome Mutation database (HGMD), OMIM, or ClinVar in any affected individuals. This variant is located near the exon-intron splice junction (splice distance- 3 bp) and some of the algorithms developed to predict the effect of sequence changes on RNA splicing suggest that this variant can disrupt the consensus splice site. In-silico pathogenicity prediction programs like dbscSNV, SIFT, Polyphen-2, MutationTaster2, CADD, Franklin etc predicted this variant to be likely deleterious however these predictions were not confirmed by published functional/translational studies. A different amino acid change in the same codon (Gln1382Arg) has been previously observed in an affected individual [PMID:10053008] and reported to the clinical databases as ‘Pathogenic/Likely Pathogenic’. This variant was identified in a couple as a part carrier screening.

Literature cited by the submitters: PubMed 10053008.